The following is an entry in ClinVar:

ClinVar aggregate classification (germline): Uncertain significance (1 of 4 stars; one submission).

Conditions:
Hereditary cancer-predisposing syndrome. Also called: Hereditary Cancer Syndrome; Neoplastic Syndromes, Hereditary; Tumor predisposition; Hereditary neoplastic syndrome. Identifiers: Orphanet 140162, MedGen C0027672, MeSH D009386, MONDO:0015356.

Submission:

Ambry Genetics
Classification: Uncertain significance for Hereditary cancer-predisposing syndrome. Last evaluated: 2023-03-17. Review status: criteria provided, single submitter. Criteria: Ambry Variant Classification Scheme 2023. Collection method: clinical testing. Allele origin: germline.
Comment: The c.485_487delAAG variant (also known as p.E162del) is located in coding exon 6 of the RAD51D gene. This variant results from an in-frame AAG deletion at nucleotide positions 485 to 487, causing the deletion of a glutamic acid at codon 162. This amino acid position is poorly conserved in available vertebrate species. In addition, the in silico prediction for this alteration is inconclusive (Choi Y et al. PLoS ONE. 2012; 7(10):e46688). Since supporting evidence is limited at this time, the clinical significance of this alteration remains unclear.

NM_002878.4(RAD51D):c.485_487del (p.Glu162del)

Genes: RAD51D (RAD51 paralog D; minus strand), RAD51L3-RFFL (RAD51L3-RFFL readthrough; minus strand). Cytogenetic location: 17q12.
Variant type: Deletion.
Coding change: c.485_487del on transcript NM_002878.4 (MANE Select); coding-DNA positions 485 to 487, 3 bases deleted (AAG; older notation c.485_487delAAG).
Protein change: p.Glu162del; deletes glutamic acid 162.
Molecular consequence: inframe deletion. On other transcripts: non-coding transcript variant (3), inframe indel (1).
Genome position (GRCh38, 1-based): chr17:35,106,475-35,106,477, CTT deleted on the plus strand (AAG on the coding strand, the reverse complement: RAD51D is on the minus strand); deleting any 3 consecutive bases within chr17:35,106,475-35,106,479 gives the same sequence; the c. name uses the placement nearest the transcript's 3' end. VCF-style (leftmost placement, unchanged base first): chr17-35106474-GCTT-G. GRCh37 (hg19) VCF-style: chr17-33433493-GCTT-G.
Other names: c.149_151del, p.Glu50del (NM_133629.3); c.545_547del, p.Glu182del (NM_001142571.2); c.485_487delAAG (NM_002878.3); short protein forms E50del, E162del, E182del.
Identifiers: ClinVar variation 1743575 (VCV001743575.3), dbSNP rs2509135648, ClinGen allele CA2580093488.